The following is an entry in ClinVar:

ClinVar aggregate classification (germline): Uncertain significance (1 of 4 stars; one submission).

Allele frequency attached by ClinVar (database versions not stated): gnomAD exomes below 0.00001; ExAC 0.00001; TOPMed 0.00001.
gnomAD v4.1: 1 of 1,589,540 alleles (0.000063%); highest among the groups gnomAD compares: African/African-American, 0.0013%; no homozygotes.

Submission:

Labcorp Genetics (formerly Invitae), Labcorp
Classification: Uncertain significance. Last evaluated: 2020-11-15. Review status: criteria provided, single submitter. Criteria: Invitae Variant Classification Sherloc (09022015). Collection method: clinical testing. Allele origin: germline.
Comment: In summary, the available evidence is currently insufficient to determine the role of this variant in disease. Therefore, it has been classified as a Variant of Uncertain Significance. Algorithms developed to predict the effect of missense changes on protein structure and function are either unavailable or do not agree on the potential impact of this missense change (SIFT: "Tolerated"; PolyPhen-2: "Possibly Damaging"; Align-GVGD: "Class C0"). This variant has not been reported in the literature in individuals with ARL3-related conditions. This variant is present in population databases (rs772737222, ExAC 0.01%). This sequence change replaces glutamine with arginine at codon 49 of the ARL3 protein (p.Gln49Arg). The glutamine residue is highly conserved and there is a small physicochemical difference between glutamine and arginine.

NM_004311.4(ARL3):c.146A>G (p.Gln49Arg)

Gene: ARL3 (ARF like GTPase 3; minus strand). Cytogenetic location: 10q24.32.
Variant type: single nucleotide variant.
Coding change: c.146A>G on transcript NM_004311.4 (MANE Select); coding-DNA position 146, A replaced by G.
Protein change: p.Gln49Arg; replaces glutamine 49 with arginine.
Molecular consequence: missense variant.
Genome position (GRCh38, 1-based): chr10:102,705,347, T>C on the plus strand (A>G on the coding strand, the complement: ARL3 is on the minus strand). VCF-style: chr10-102705347-T-C. GRCh37 (hg19) VCF-style: chr10-104465104-T-C.
Other names: short protein forms Q49R.
Identifiers: ClinVar variation 1412683 (VCV001412683.8), dbSNP rs772737222, ClinGen allele CA5668521.